The following is an entry in ClinVar:

NM_002382.5(MAX):c.172-6175A>G

Gene: MAX (MYC associated transcriptional regulator X; minus strand). Cytogenetic location: 14q23.3.
Variant type: single nucleotide variant.
Coding change: c.172-6175A>G on transcript NM_002382.5 (MANE Select); 6175 bases into the intron before coding-DNA position 172, A replaced by G.
Molecular consequence: intron variant. On other transcripts: missense variant (3), 3 prime UTR variant (1), non-coding transcript variant (4).
Genome position (GRCh38, 1-based): chr14:65,084,211, T>C on the plus strand (A>G on the coding strand, the complement: MAX is on the minus strand). VCF-style: chr14-65084211-T-C. GRCh37 (hg19) VCF-style: chr14-65550929-T-C.
Other names: c.145-6175A>G (NM_001407102.1, NM_001407101.1, NM_145112.3 and 6 more transcripts); c.172-6175A>G (NM_001407094.1, NM_001407104.1, NM_001407103.1 and 3 more transcripts); c.64-6175A>G (NM_001407098.1); c.-103-6175A>G (NM_001320415.2, NM_001407106.1, NM_001407107.1 and 1 more transcripts); c.233A>G, p.Gln78Arg (NM_001271068.2, NM_001407113.1); c.*34A>G (NM_001407114.1); c.260A>G, p.Gln87Arg (NM_145114.3); c.144+9497A>G (NM_001271069.2); and 2 more; short protein forms Q87R, Q78R.
Identifiers: ClinVar variation 5023977 (VCV005023977.1).

ClinVar aggregate classification (germline): Uncertain significance (1 of 4 stars; one submission).

Conditions:
Hereditary cancer-predisposing syndrome. Also called: Neoplastic Syndromes, Hereditary; Tumor predisposition; Hereditary neoplastic syndrome; Hereditary Cancer Syndrome. Identifiers: Orphanet 140162, MedGen C0027672, MeSH D009386, MONDO:0015356.

gnomAD v4.1: 1 of 1,614,092 alleles (0.000062%); highest among the groups gnomAD compares: Non-Finnish European, 0.000085%; no homozygotes.

Submission:

Ambry Genetics
Classification: Uncertain significance for Hereditary cancer-predisposing syndrome. Last evaluated: 2026-07-07. Review status: criteria provided, single submitter. Criteria: Ambry Variant Classification Scheme 2023. Collection method: clinical testing. Allele origin: germline.
Comment: The p.Q87R variant (also known as c.260A>G), located in coding exon 4 of the MAX gene, results from an A to G substitution at nucleotide position 260. The glutamine at codon 87 is replaced by arginine, an amino acid with highly similar properties. This amino acid position is conserved. In addition, this alteration is predicted to be tolerated by in silico analysis. Based on the available evidence, the clinical significance of this variant remains unclear.